The following is an entry in ClinVar:

ClinVar aggregate classification (germline): Pathogenic (1 of 4 stars; one submission).

Submission:

Labcorp Genetics (formerly Invitae), Labcorp
Classification: Pathogenic. Last evaluated: 2022-05-20. Review status: criteria provided, single submitter. Criteria: Invitae Variant Classification Sherloc (09022015). Collection method: clinical testing. Allele origin: germline.
Comment: For these reasons, this variant has been classified as Pathogenic. Algorithms developed to predict the effect of sequence changes on RNA splicing suggest that this variant may create or strengthen a splice site. This variant has not been reported in the literature in individuals affected with EPHB4-related conditions. This variant is not present in population databases (gnomAD no frequency). This sequence change creates a premature translational stop signal (p.Trp32*) in the EPHB4 gene. It is expected to result in an absent or disrupted protein product. Loss-of-function variants in EPHB4 are known to be pathogenic (PMID: 28687708).

Literature cited by the submitters: PubMed 28687708.

NM_004444.5(EPHB4):c.96G>A (p.Trp32Ter)

Gene: EPHB4 (EPH receptor B4; minus strand). Cytogenetic location: 7q22.1.
Variant type: single nucleotide variant.
Coding change: c.96G>A on transcript NM_004444.5 (MANE Select); coding-DNA position 96, G replaced by A.
Protein change: p.Trp32Ter; replaces tryptophan 32 with a stop codon.
Molecular consequence: nonsense.
Genome position (GRCh38, 1-based): chr7:100,824,230, C>T on the plus strand (G>A on the coding strand, the complement: EPHB4 is on the minus strand). VCF-style: chr7-100824230-C-T. GRCh37 (hg19) VCF-style: chr7-100421852-C-T.
Other names: short protein forms W32*.
Identifiers: ClinVar variation 1961827 (VCV001961827.5), dbSNP rs1813316337, ClinGen allele CA368585063.